The following is an entry in ClinVar:

ClinVar aggregate classification (germline): Uncertain significance (1 of 4 stars; one submission).

Submission:

Women's Health and Genetics/Laboratory Corporation of America, LabCorp
Classification: Uncertain significance. Last evaluated: 2024-01-18. Review status: criteria provided, single submitter. Criteria: LabCorp Variant Classification Summary - May 2015. Collection method: clinical testing. Allele origin: germline.
Comment: Variant summary: GRIA4 c.280A>G (p.Ile94Val) results in a conservative amino acid change located in the Receptor, ligand binding region (IPR001828) of the encoded protein sequence. Three of five in-silico tools predict a benign effect of the variant on protein function. The variant was absent in 251086 control chromosomes (gnomAD). The available data on variant occurrences in the general population are insufficient to allow any conclusion about variant significance. To our knowledge, no occurrence of c.280A>G in individuals affected with Neurodevelopmental Disorder With Or Without Seizures And Gait Abnormalities and no experimental evidence demonstrating its impact on protein function have been reported. No submitters have cited clinical-significance assessments for this variant to ClinVar. Based on the evidence outlined above, the variant was classified as uncertain significance.

NM_000829.4(GRIA4):c.280A>G (p.Ile94Val)

Gene: GRIA4 (glutamate ionotropic receptor AMPA type subunit 4; plus strand). Cytogenetic location: 11q22.3.
Variant type: single nucleotide variant.
Coding change: c.280A>G on transcript NM_000829.4 (MANE Select); coding-DNA position 280, A replaced by G.
Protein change: p.Ile94Val; replaces isoleucine 94 with valine.
Molecular consequence: missense variant. On other transcripts: non-coding transcript variant (1).
Genome position (GRCh38, 1-based): chr11:105,753,013, A>G. VCF-style: chr11-105753013-A-G. GRCh37 (hg19) VCF-style: chr11-105623739-A-G.
Other names: c.280A>G, p.Ile94Val (NM_001112812.2, NM_001077243.3, NM_001077244.2); short protein forms I94V.
Identifiers: ClinVar variation 3063971 (VCV003063971.1), dbSNP rs2497083078, ClinGen allele CA382298932.
Genomic context (GRCh38, chr11:105,753,013, plus strand): 5'-TTGTGGTGTTTTCTTCCTCTTGTTTCAGTCTGTTCCCAGTATTCTAGAGGAGTATTTGCC[A>G]TTTTTGGACTCTATGATAAGAGGTCGGTACATACCTTGACCTCATTCTGCAGCGCCTTAC-3'
Protein context (NP_000820.4, residues 84-104): CSQYSRGVFA[Ile94Val]FGLYDKRSVH